The following is an entry in ClinVar:

NM_020821.3(VPS13C):c.1798A>G (p.Ile600Val)

Gene: VPS13C (vacuolar protein sorting 13 homolog C; minus strand). Cytogenetic location: 15q22.2.
Variant type: single nucleotide variant.
Coding change: c.1798A>G on transcript NM_020821.3 (MANE Select); coding-DNA position 1798, A replaced by G.
Protein change: p.Ile600Val; replaces isoleucine 600 with valine.
Molecular consequence: missense variant.
Genome position (GRCh38, 1-based): chr15:61,983,936, T>C on the plus strand (A>G on the coding strand, the complement: VPS13C is on the minus strand). VCF-style: chr15-61983936-T-C. GRCh37 (hg19) VCF-style: chr15-62276135-T-C.
Other names: c.1798A>G, p.Ile600Val (NM_001018088.3); c.1669A>G, p.Ile557Val (NM_017684.5, NM_018080.4); short protein forms I557V, I600V.
Identifiers: ClinVar variation 2181946 (VCV002181946.23), dbSNP rs116507802, ClinGen allele CA7596925.

ClinVar aggregate classification (germline): Conflicting classifications of pathogenicity. Review status: criteria provided, conflicting classifications (1 of 4 stars). 2 submissions from 2 submitters: Uncertain significance (1); Likely benign (1). Last evaluated 2023-12-01.

Allele frequency attached by ClinVar (database versions not stated): 1000 Genomes Project 30x 0.00031; 1000 Genomes Project 0.00040; ESP Exome Variant Server 0.00077.
gnomAD v4.1: 121 of 1,614,162 alleles (0.0075%); highest among the groups gnomAD compares: African/African-American, 0.12%; no homozygotes.

Submissions (2):

CeGaT Center for Human Genetics Tuebingen
Classification: Likely benign. Last evaluated: 2023-12-01. Review status: criteria provided, single submitter. Criteria: CeGaT Center For Human Genetics Tuebingen Variant Classification Criteria Version 2. Collection method: clinical testing. Allele origin: germline. Affected: yes. Observed: 1 variant allele.
Comment: VPS13C: BP4

Labcorp Genetics (formerly Invitae), Labcorp
Classification: Uncertain significance. Last evaluated: 2022-08-20. Review status: criteria provided, single submitter. Criteria: Invitae Variant Classification Sherloc (09022015). Collection method: clinical testing. Allele origin: germline.
Comment: This sequence change replaces isoleucine, which is neutral and non-polar, with valine, which is neutral and non-polar, at codon 600 of the VPS13C protein (p.Ile600Val). This variant is present in population databases (rs116507802, gnomAD 0.2%). This variant has not been reported in the literature in individuals affected with VPS13C-related conditions. Algorithms developed to predict the effect of missense changes on protein structure and function (SIFT, PolyPhen-2, Align-GVGD) all suggest that this variant is likely to be tolerated. Algorithms developed to predict the effect of sequence changes on RNA splicing suggest that this variant may create or strengthen a splice site. In summary, the available evidence is currently insufficient to determine the role of this variant in disease. Therefore, it has been classified as a Variant of Uncertain Significance.